The following is an entry in ClinVar:

ClinVar aggregate classification (germline): Uncertain significance (1 of 4 stars; one submission).

Submission:

Labcorp Genetics (formerly Invitae), Labcorp
Classification: Uncertain significance. Last evaluated: 2025-07-16. Review status: criteria provided, single submitter. Criteria: Invitae Variant Classification Sherloc (09022015). Collection method: clinical testing. Allele origin: germline.
Comment: This sequence change creates a premature translational stop signal (p.Cys521*) in the IRF2BP2 gene. While this is not anticipated to result in nonsense mediated decay, it is expected to disrupt the last 67 amino acid(s) of the IRF2BP2 protein. This variant is not present in population databases (gnomAD no frequency). This variant has not been reported in the literature in individuals affected with IRF2BP2-related conditions. In summary, the available evidence is currently insufficient to determine the role of this variant in disease. Therefore, it has been classified as a Variant of Uncertain Significance.

NM_182972.3(IRF2BP2):c.1563C>A (p.Cys521Ter)

Gene: IRF2BP2 (interferon regulatory factor 2 binding protein 2; minus strand). Cytogenetic location: 1q42.3.
Variant type: single nucleotide variant.
Coding change: c.1563C>A on transcript NM_182972.3 (MANE Select); coding-DNA position 1563, C replaced by A.
Protein change: p.Cys521Ter; replaces cysteine 521 with a stop codon.
Molecular consequence: nonsense.
Genome position (GRCh38, 1-based): chr1:234,607,338, G>T on the plus strand (C>A on the coding strand, the complement: IRF2BP2 is on the minus strand). VCF-style: chr1-234607338-G-T. GRCh37 (hg19) VCF-style: chr1-234743084-G-T.
Other names: c.1515C>A, p.Cys505Ter (NM_001077397.1); short protein forms C505*, C521*.
Identifiers: ClinVar variation 4723401 (VCV004723401.1).